The following is an entry in ClinVar:

ClinVar aggregate classification (germline): Uncertain significance (1 of 4 stars; one submission).

Allele frequency attached by ClinVar (database versions not stated): ExAC 0.00002; gnomAD 0.00005; TOPMed 0.00005; gnomAD exomes 0.00006; ESP Exome Variant Server 0.00024.
gnomAD v4.1: 90 of 1,613,640 alleles (0.0056%); highest among the groups gnomAD compares: Non-Finnish European, 0.0075%; no homozygotes.

Submission:

CeGaT Center for Human Genetics Tuebingen
Classification: Uncertain significance. Last evaluated: 2022-06-01. Review status: criteria provided, single submitter. Criteria: CeGaT Center For Human Genetics Tuebingen Variant Classification Criteria Version 2. Collection method: clinical testing. Allele origin: germline. Affected: yes. Observed: 1 variant allele.
Comment: TENM4: PP3

NM_001098816.3(TENM4):c.6386A>G (p.Asp2129Gly)

Gene: TENM4 (teneurin transmembrane protein 4; minus strand). Cytogenetic location: 11q14.1.
Variant type: single nucleotide variant.
Coding change: c.6386A>G on transcript NM_001098816.3 (MANE Select); coding-DNA position 6386, A replaced by G.
Protein change: p.Asp2129Gly; replaces aspartic acid 2129 with glycine.
Molecular consequence: missense variant.
Genome position (GRCh38, 1-based): chr11:78,669,959, T>C on the plus strand (A>G on the coding strand, the complement: TENM4 is on the minus strand). VCF-style: chr11-78669959-T-C. GRCh37 (hg19) VCF-style: chr11-78381004-T-C.
Other names: short protein forms D2129G.
Identifiers: ClinVar variation 2642212 (VCV002642212.24), dbSNP rs367616110, ClinGen allele CA6206423.